The following is an entry in ClinVar:

NM_004525.3(LRP2):c.2174C>T (p.Thr725Ile)

Gene: LRP2 (LDL receptor related protein 2; minus strand). Cytogenetic location: 2q31.1.
Variant type: single nucleotide variant.
Coding change: c.2174C>T on transcript NM_004525.3 (MANE Select); coding-DNA position 2174, C replaced by T.
Protein change: p.Thr725Ile; replaces threonine 725 with isoleucine.
Molecular consequence: missense variant.
Genome position (GRCh38, 1-based): chr2:169,271,050, G>A on the plus strand (C>T on the coding strand, the complement: LRP2 is on the minus strand). VCF-style: chr2-169271050-G-A. GRCh37 (hg19) VCF-style: chr2-170127560-G-A.
Other names: c.2174C>T (NM_004525.2); short protein forms T725I.
Identifiers: ClinVar variation 1392354 (VCV001392354.5), dbSNP rs751817332, ClinGen allele CA1955363.

ClinVar aggregate classification (germline): Uncertain significance. Review status: criteria provided, multiple submitters, no conflicts (2 of 4 stars). 3 submissions from 3 submitters: Uncertain significance (3). Last evaluated 2024-04-09.

Conditions:
Donnai-Barrow syndrome. Also called: DBS/FOAR SYNDROME; FACIOOCULOACOUSTICORENAL SYNDROME. Identifiers: Orphanet 2143, MedGen C1857277, MONDO:0009104, OMIM 222448.
Inborn genetic diseases. Identifiers: MedGen C0950123, MeSH D030342.

Allele frequency attached by ClinVar (database versions not stated): gnomAD 0.00007 and 0.00008; TOPMed 0.00021.
gnomAD v4.1: 62 of 1,613,104 alleles (0.0038%); highest among the groups gnomAD compares: Admixed American, 0.03%; no homozygotes.

Submissions (3):

Fulgent Genetics
Classification: Uncertain significance for Donnai-Barrow syndrome. Last evaluated: 2024-04-09. Review status: criteria provided, single submitter. Criteria: ACMG Guidelines, 2015. Collection method: clinical testing. Allele origin: germline.

Labcorp Genetics (formerly Invitae), Labcorp
Classification: Uncertain significance. Last evaluated: 2022-08-19. Review status: criteria provided, single submitter. Criteria: Invitae Variant Classification Sherloc (09022015). Collection method: clinical testing. Allele origin: germline.
Comment: This sequence change replaces threonine, which is neutral and polar, with isoleucine, which is neutral and non-polar, at codon 725 of the LRP2 protein (p.Thr725Ile). This variant is present in population databases (rs751817332, gnomAD 0.01%). This variant has not been reported in the literature in individuals affected with LRP2-related conditions. ClinVar contains an entry for this variant (Variation ID: 1392354). Advanced modeling of protein sequence and biophysical properties (such as structural, functional, and spatial information, amino acid conservation, physicochemical variation, residue mobility, and thermodynamic stability) performed at Invitae indicates that this missense variant is not expected to disrupt LRP2 protein function. In summary, the available evidence is currently insufficient to determine the role of this variant in disease. Therefore, it has been classified as a Variant of Uncertain Significance.

Ambry Genetics
Classification: Uncertain significance for Inborn genetic diseases. Last evaluated: 2021-07-14. Review status: criteria provided, single submitter. Criteria: Ambry Variant Classification Scheme 2023. Collection method: clinical testing. Allele origin: germline.